The following is an entry in ClinVar:

NM_004064.5(CDKN1B):c.263A>T (p.Tyr88Phe)

Gene: CDKN1B (cyclin dependent kinase inhibitor 1B; plus strand). Cytogenetic location: 12p13.1.
Variant type: single nucleotide variant.
Coding change: c.263A>T on transcript NM_004064.5 (MANE Select); coding-DNA position 263, A replaced by T.
Protein change: p.Tyr88Phe; replaces tyrosine 88 with phenylalanine.
Molecular consequence: missense variant.
Genome position (GRCh38, 1-based): chr12:12,718,102, A>T. VCF-style: chr12-12718102-A-T. GRCh37 (hg19) VCF-style: chr12-12871036-A-T.
Other names: short protein forms Y88F.
Identifiers: ClinVar variation 821602 (VCV000821602.5), dbSNP rs1565419470, ClinGen allele CA383969871.
Genomic context (GRCh38, chr12:12,718,102, plus strand): 5'-AACCCCTAGAGGGCAAGTACGAGTGGCAAGAGGTGGAGAAGGGCAGCTTGCCCGAGTTCT[A>T]CTACAGACCCCCGCGGCCCCCCAAAGGTGCCTGCAAGGTGCCGGCGCAGGAGAGCCAGGA-3'
Protein context (NP_004055.1, residues 78-98): EVEKGSLPEF[Tyr88Phe]YRPPRPPKGA

ClinVar aggregate classification (germline): Uncertain significance (1 of 4 stars; one submission).

Conditions:
Hereditary cancer-predisposing syndrome. Also called: Tumor predisposition; Hereditary Cancer Syndrome; Neoplastic Syndromes, Hereditary; Hereditary neoplastic syndrome. Identifiers: Orphanet 140162, MedGen C0027672, MeSH D009386, MONDO:0015356.

Submission:

Ambry Genetics
Classification: Uncertain significance for Hereditary cancer-predisposing syndrome. Last evaluated: 2024-06-14. Review status: criteria provided, single submitter. Criteria: Ambry Variant Classification Scheme 2023. Collection method: clinical testing. Allele origin: germline.
Comment: The p.Y88F variant (also known as c.263A>T), located in coding exon 1 of the CDKN1B gene, results from an A to T substitution at nucleotide position 263. The tyrosine at codon 88 is replaced by phenylalanine, an amino acid with highly similar properties. This amino acid position is highly conserved in available vertebrate species. In addition, the in silico prediction for this alteration is inconclusive. Based on the available evidence, the clinical significance of this variant remains unclear.